The following is an entry in ClinVar:

ClinVar aggregate classification (germline): Pathogenic. Review status: criteria provided, multiple submitters, no conflicts (2 of 4 stars). 6 submissions from 6 submitters: Pathogenic (4). 2 of the submissions do not count toward it. Last evaluated 2025-08-04.

Conditions:
Neuronal ceroid lipofuscinosis. Also called: Neuronal Ceroid Lipofuscinoses. Identifiers: Orphanet 216, Orphanet 79263, MedGen C0027877, MONDO:0016295. Disease mechanism: loss of function.
Neuronal ceroid lipofuscinosis 5 (CLN5). Also called: CEROID LIPOFUSCINOSIS, NEURONAL, 5, VARIABLE AGE AT ONSET; Neuronal ceroid lipofuscinosis Finnish variant; NEURONAL CEROID LIPOFUSCINOSIS, LATE INFANTILE, FINNISH VARIANT; CLN5-Related Neuronal Ceroid-Lipofuscinosis. Identifiers: Orphanet 168491, Orphanet 228360, MedGen C1850442, MONDO:0009745, OMIM 256731.

Allele frequency attached by ClinVar (database versions not stated): gnomAD exomes 0.00003; ExAC 0.00007.

Submissions (6):

Labcorp Genetics (formerly Invitae), Labcorp
Classification: Pathogenic for Neuronal ceroid lipofuscinosis. Last evaluated: 2025-08-04. Review status: criteria provided, single submitter. Criteria: Invitae Variant Classification Sherloc (09022015). Collection method: clinical testing. Allele origin: germline.
Comment: This sequence change creates a premature translational stop signal (p.Trp224Leufs*30) in the CLN5 gene. While this is not anticipated to result in nonsense mediated decay, it is expected to disrupt the last 184 amino acid(s) of the CLN5 protein. This variant is present in population databases (rs770949806, gnomAD 0.007%). This premature translational stop signal has been observed in individual(s) with neuronal ceroid lipofuscinosis (PMID: 21990111; internal data). In at least one individual the data is consistent with being in trans (on the opposite chromosome) from a pathogenic variant. This variant is also known as c.669insC and p.E253X. ClinVar contains an entry for this variant (Variation ID: 56543). Algorithms developed to predict the effect of variants on gene product structure and function are not available or were not evaluated for this variant. Experimental studies have shown that this premature translational stop signal affects CLN5 function (PMID: 20052765). This variant disrupts a region of the CLN5 protein in which other variant(s) (p.Lys368Serfs*15) have been determined to be pathogenic (PMID: 20157158, 20960652, 22532218, 25976102; internal data). This suggests that this is a clinically significant region of the protein, and that variants that disrupt it are likely to be disease-causing. For these reasons, this variant has been classified as Pathogenic.

Natera, Inc.
Classification: Pathogenic for Neuronal ceroid lipofuscinosis. Last evaluated: 2025-04-14. Review status: criteria provided, single submitter. Criteria: Natera Variant Classification Schema (03/2026). Collection method: clinical testing. Allele origin: germline.
Comment: The c.669dup variant in CLN5 is a frameshift variant predicted to shift the reading frame beginning at codon 224 and leads to a stop codon 30 codons downstream. This variant is expected to result in nonsense mediated decay, truncation, or a dysfunctional protein product. This variant is rare in the general population with a frequency below the threshold expected for the associated phenotype(s). This variant has been observed in one or more individuals affected with the associated recessive disease, as either homozygous or compound heterozygous with a second variant (PMID: 10953198, 20157158). Given the available evidence, this variant is classified as Pathogenic.

Baylor Genetics
Classification: Pathogenic for Neuronal ceroid lipofuscinosis 5. Last evaluated: 2024-02-07. Review status: criteria provided, single submitter. Criteria: ACMG Guidelines, 2015. Collection method: clinical testing. Allele origin: unknown.

Genome-Nilou Lab
Classification: Pathogenic for Neuronal ceroid lipofuscinosis 5. Last evaluated: 2021-08-10. Review status: criteria provided, single submitter. Criteria: ACMG Guidelines, 2015. Collection method: clinical testing. Allele origin: germline. Affected: no.

Counsyl
Classification: Likely pathogenic for Neuronal ceroid lipofuscinosis 5. Last evaluated: 2016-05-16. Review status: no assertion criteria provided. Collection method: clinical testing. Allele origin: unknown. Not counted in ClinVar's aggregate classification.

Juha Muilu Group; Institute for Molecular Medicine Finland (FIMM)
Classification: Likely pathogenic for Ceroid lipofuscinosis neuronal 5. Review status: no assertion criteria provided. Collection method: not provided. Allele origin: unknown. Not counted in ClinVar's aggregate classification.
Comment: FinDis database variant: This variant was not found or characterized by our laboratory, data were collected from public sources: see reference
ClinVar note: Converted during submission from probable-pathogenic to Likely pathogenic.

Literature cited by the submitters: PubMed 21990111 (cited by Labcorp Genetics (formerly Invitae), Labcorp and Counsyl); PubMed 20052765 (cited by Labcorp Genetics (formerly Invitae), Labcorp and Counsyl); PubMed 20157158 (cited by Labcorp Genetics (formerly Invitae), Labcorp and Natera, Inc.); PubMed 20960652 (cited by Labcorp Genetics (formerly Invitae), Labcorp); PubMed 22532218 (cited by Labcorp Genetics (formerly Invitae), Labcorp); PubMed 25976102 (cited by Labcorp Genetics (formerly Invitae), Labcorp); PubMed 10953198 (cited by Natera, Inc. and Counsyl).

NM_006493.4(CLN5):c.522dup (p.Trp175fs)

Gene: CLN5 (CLN5 lysosomal BMP synthase; plus strand). Cytogenetic location: 13q22.3.
Variant type: Duplication.
Coding change: c.522dup on transcript NM_006493.4 (MANE Select); coding-DNA position 522, one base duplicated (C; older notation c.522dupC).
Protein change: p.Trp175fs; shifts the reading frame from tryptophan 175.
Molecular consequence: frameshift variant.
Genome position (GRCh38, 1-based): chr13:76,996,084, C duplicated. VCF-style (leftmost placement, unchanged base first): chr13-76996083-A-AC. GRCh37 (hg19) VCF-style: chr13-77570218-A-AC.
Other names: c.522dup, p.Trp175fs (NM_001366624.2); c.669dup (LRG_692t1, NM_006493.2); short protein forms W175fs.
Identifiers: ClinVar variation 56543 (VCV000056543.20), dbSNP rs386833979, ClinGen allele CA263910.